The following is an entry in ClinVar:

ClinVar aggregate classification (germline): Uncertain significance (1 of 4 stars; one submission).

Allele frequency attached by ClinVar (database versions not stated): gnomAD exomes below 0.00001.
gnomAD v4.1: 5 of 1,614,198 alleles (0.00031%); highest among the groups gnomAD compares: Non-Finnish European, 0.00042%; no homozygotes.

Submission:

Labcorp Genetics (formerly Invitae), Labcorp
Classification: Uncertain significance. Last evaluated: 2023-06-11. Review status: criteria provided, single submitter. Criteria: Invitae Variant Classification Sherloc (09022015). Collection method: clinical testing. Allele origin: germline.
Comment: An algorithm developed to predict the effect of missense changes on protein structure and function (PolyPhen-2) suggests that this variant is likely to be disruptive. In summary, the available evidence is currently insufficient to determine the role of this variant in disease. Therefore, it has been classified as a Variant of Uncertain Significance. This variant has not been reported in the literature in individuals affected with SLC16A1-related conditions. This variant is not present in population databases (gnomAD no frequency). This sequence change replaces leucine, which is neutral and non-polar, with valine, which is neutral and non-polar, at codon 437 of the SLC16A1 protein (p.Leu437Val).

NM_003051.4(SLC16A1):c.1309C>G (p.Leu437Val)

Gene: SLC16A1 (solute carrier family 16 member 1; minus strand). Cytogenetic location: 1p13.2.
Variant type: single nucleotide variant.
Coding change: c.1309C>G on transcript NM_003051.4 (MANE Select); coding-DNA position 1309, C replaced by G.
Protein change: p.Leu437Val; replaces leucine 437 with valine.
Molecular consequence: missense variant.
Genome position (GRCh38, 1-based): chr1:112,914,085, G>C on the plus strand (C>G on the coding strand, the complement: SLC16A1 is on the minus strand). VCF-style: chr1-112914085-G-C. GRCh37 (hg19) VCF-style: chr1-113456707-G-C.
Other names: c.1309C>G, p.Leu437Val (NM_001166496.2); short protein forms L437V.
Identifiers: ClinVar variation 2878631 (VCV002878631.3), dbSNP rs2525073554, ClinGen allele CA341827065.